The following is an entry in ClinVar:

NM_006206.6(PDGFRA):c.3196A>G (p.Thr1066Ala)

Gene: PDGFRA (platelet derived growth factor receptor alpha; plus strand). Cytogenetic location: 4q12.
Variant type: single nucleotide variant.
Coding change: c.3196A>G on transcript NM_006206.6 (MANE Select); coding-DNA position 3196, A replaced by G.
Protein change: p.Thr1066Ala; replaces threonine 1066 with alanine.
Molecular consequence: missense variant.
Genome position (GRCh38, 1-based): chr4:54,295,198, A>G. VCF-style: chr4-54295198-A-G. GRCh37 (hg19) VCF-style: chr4-55161365-A-G.
Other names: c.3271A>G, p.Thr1091Ala (NM_001347828.2); c.3196A>G, p.Thr1066Ala (NM_001347829.2); c.3235A>G, p.Thr1079Ala (NM_001347830.2); short protein forms T1066A, T1079A, T1091A.
Identifiers: ClinVar variation 1714120 (VCV001714120.6), dbSNP rs2475578984, ClinGen allele CA356896604.

ClinVar aggregate classification (germline): Uncertain significance (1 of 4 stars; one submission).

Conditions:
Gastrointestinal stromal tumor. Also called: Gastrointestinal stroma tumor; Gastrointestinal stromal tumor, somatic. Identifiers: Orphanet 44890, MedGen C0238198, MeSH D046152, MONDO:0011719, OMIM 606764, HP:0100723.

Submission:

Labcorp Genetics (formerly Invitae), Labcorp
Classification: Uncertain significance for Gastrointestinal stromal tumor. Last evaluated: 2022-07-29. Review status: criteria provided, single submitter. Criteria: Invitae Variant Classification Sherloc (09022015). Collection method: clinical testing. Allele origin: germline.
Comment: In summary, the available evidence is currently insufficient to determine the role of this variant in disease. Therefore, it has been classified as a Variant of Uncertain Significance. Algorithms developed to predict the effect of missense changes on protein structure and function are either unavailable or do not agree on the potential impact of this missense change (SIFT: "Tolerated"; PolyPhen-2: "Probably Damaging"; Align-GVGD: "Class C0"). This sequence change replaces threonine, which is neutral and polar, with alanine, which is neutral and non-polar, at codon 1066 of the PDGFRA protein (p.Thr1066Ala). This variant is not present in population databases (gnomAD no frequency). This variant has not been reported in the literature in individuals affected with PDGFRA-related conditions.